The following is an entry in ClinVar:

ClinVar aggregate classification (germline): Uncertain significance (1 of 4 stars; one submission).

Submission:

Labcorp Genetics (formerly Invitae), Labcorp
Classification: Uncertain significance. Last evaluated: 2024-01-04. Review status: criteria provided, single submitter. Criteria: Invitae Variant Classification Sherloc (09022015). Collection method: clinical testing. Allele origin: germline.
Comment: This sequence change affects codon 102 of the MTMR14 mRNA. It is a 'silent' change, meaning that it does not change the encoded amino acid sequence of the MTMR14 protein. This variant is not present in population databases (gnomAD no frequency). This variant has not been reported in the literature in individuals affected with MTMR14-related conditions. Algorithms developed to predict the effect of sequence changes on RNA splicing suggest that this variant may disrupt the consensus splice site. In summary, the available evidence is currently insufficient to determine the role of this variant in disease. Therefore, it has been classified as a Variant of Uncertain Significance.

NM_001077525.3(MTMR14):c.306C>T (p.Asp102=)

Gene: MTMR14 (myotubularin related protein 14; plus strand). Cytogenetic location: 3p25.3.
Variant type: single nucleotide variant.
Coding change: c.306C>T on transcript NM_001077525.3 (MANE Select); coding-DNA position 306, C replaced by T.
Protein change: p.Asp102=; no amino-acid change (aspartic acid 102 retained).
Molecular consequence: synonymous variant. On other transcripts: non-coding transcript variant (8), intron variant (6), 5 prime UTR variant (14).
Genome position (GRCh38, 1-based): chr3:9,653,767, C>T. VCF-style: chr3-9653767-C-T. GRCh37 (hg19) VCF-style: chr3-9695451-C-T.
Other names: c.26+4025C>T (NM_001400525.1, NM_001400529.1, NM_001400532.1 and 1 more transcripts); c.-198+4025C>T (NM_001400535.1); c.-169+4025C>T (NM_001400543.1); c.306C>T, p.Asp102= (NM_001077526.3, NM_001400519.1, NM_001400520.1 and 9 more transcripts); c.375C>T, p.Asp125= (NM_001400518.1, NM_001400521.1, NM_001400526.1); c.-200C>T (NM_001400533.1, NM_001400539.1, NM_001400545.1); c.-261C>T (NM_001400534.1, NM_001400538.1, NM_001400541.1 and 3 more transcripts); c.-228C>T (NM_001400540.1); and 4 more.
Identifiers: ClinVar variation 2854324 (VCV002854324.3), dbSNP rs757260256, ClinGen allele CA432508335.
Genomic context (GRCh38, chr3:9,653,767, plus strand): 5'-TGGCCACTATCCCCGGCACATCGTGTTCCTGGAGTATGAGAGTTCTGAGAAGGAGAAAGA[C>T]ACGTGAGCATCATGTGACCGTAGTGTACATGTCTGGGGAGTCCGTGGCAGCTAATCCCTG-3'
Protein context (NP_001070993.1, residues 92-112): LEYESSEKEK[Asp102=]TFESTVQVSK